The following is an entry in ClinVar:

ClinVar aggregate classification (germline): Pathogenic/Likely pathogenic. Review status: criteria provided, multiple submitters, no conflicts (2 of 4 stars). 12 submissions from 12 submitters: Pathogenic (7); Likely pathogenic (3). 2 of the submissions do not count toward it. Last evaluated 2026-08-27.

Conditions:
Breast carcinoma. Also called: Carcinoma of breast. Identifiers: MedGen C0678222, MONDO:0004989, HP:0003002.
Inherited ovarian cancer (without breast cancer).
Hereditary cancer-predisposing syndrome. Also called: Hereditary neoplastic syndrome; Hereditary Cancer Syndrome; Neoplastic Syndromes, Hereditary; Tumor predisposition. Identifiers: Orphanet 140162, MedGen C0027672, MeSH D009386, MONDO:0015356.
Breast-ovarian cancer, familial, susceptibility to, 2 (BROVCA2). Also called: BRCA2 Hereditary Breast and Ovarian Cancer. Identifiers: Orphanet 145, MedGen C2675520, MONDO:0012933, OMIM 612555. Disease mechanism: loss of function.
Hereditary breast ovarian cancer syndrome. Also called: BRCA1- and BRCA2-Associated Hereditary Breast and Ovarian Cancer; Hereditary breast and ovarian cancer syndrome; Hereditary breast and ovarian cancer syndrome (HBOC); Hereditary breast and/or ovarian cancer syndrome; Hereditary breast and ovarian cancer; Breast and ovarian cancer. Identifiers: Orphanet 145, MedGen C0677776, MeSH D061325, MONDO:0003582. Disease mechanism: loss of function.
BRCA2-related disorder. Also called: BRCA2-related condition; BRCA2-related disorders. Identifiers: MedGen CN239275.

Allele frequency attached by ClinVar (database versions not stated): gnomAD exomes below 0.00001.

Submissions (12):

Genetics Laboratory, Great Ormond Street Hospital NHS Foundation Trust, North Thames Genomic Laboratory Hub
Classification: Pathogenic for Inherited ovarian cancer (without breast cancer). Last evaluated: 2026-08-27. Review status: criteria provided, single submitter. Criteria: CanVIG BRCA Gene Specific V1.22. Collection method: clinical testing. Allele origin: germline. Affected: yes.
Comment: PS4_moderate, PM2_moderate, PVS1_very-strong

Labcorp Genetics (formerly Invitae), Labcorp
Classification: Pathogenic for Hereditary breast ovarian cancer syndrome. Last evaluated: 2025-12-21. Review status: criteria provided, single submitter. Criteria: Invitae Variant Classification Sherloc (09022015). Collection method: clinical testing. Allele origin: germline.
Comment: This sequence change affects a donor splice site in intron 21 of the BRCA2 gene. It is expected to disrupt RNA splicing. Variants that disrupt the donor or acceptor splice site typically lead to a loss of protein function (PMID: 16199547), and loss-of-function variants in BRCA2 are known to be pathogenic (PMID: 20104584). This variant is present in population databases (no rsID available, gnomAD 0.003%). Disruption of this splice site has been observed in individual(s) with breast and/or ovarian cancer (PMID: 18597679, 28947987, 32658311, 34637943). ClinVar contains an entry for this variant (Variation ID: 267704). Studies have shown that disruption of this splice site alters mRNA splicing and is expected to lead to the loss of protein expression (PMID: 18597679). For these reasons, this variant has been classified as Pathogenic.

Mayo Clinic Laboratories, Mayo Clinic
Classification: Likely pathogenic. Last evaluated: 2025-06-10. Review status: criteria provided, single submitter. Criteria: ACMG Guidelines, 2015. Collection method: clinical testing. Allele origin: germline. Observed: 1 variant allele.
Comment: PM2_supporting, PVS1

Ambry Genetics
Classification: Likely pathogenic for Hereditary cancer-predisposing syndrome. Last evaluated: 2023-05-23. Review status: criteria provided, single submitter. Criteria: Ambry Variant Classification Scheme 2023. Collection method: clinical testing. Allele origin: germline.
Comment: The c.8754+1G>T intronic variant results from a G to T substitution one nucleotide after coding exon 20 of the BRCA2 gene. This alteration was identified in a large, worldwide study of BRCA1/2 mutation positive families (Rebbeck TR et al. Hum Mutat, 2018 May;39:593-620). This alteration was also seen in 1/732 breast cancer patients, 0/189 colorectal cancer patients, and 0/490 cancer-free elderly controls in a Turkish population (Akcay IM et al. Int J Cancer, 2021 Jan;148:285-295). This nucleotide position is highly conserved in available vertebrate species. In silico splice site analysis predicts that this alteration will weaken the native splice donor site and will result in the creation or strengthening of a novel splice donor site. In addition to the clinical data presented in the literature, alterations that disrupt the canonical splice site are expected to cause aberrant splicing, resulting in an abnormal protein or a transcript that is subject to nonsense-mediated mRNA decay. As such, this alteration is classified as likely pathogenic.

Dasa
Classification: Pathogenic for BRCA2-related disorder. Last evaluated: 2022-04-10. Review status: criteria provided, single submitter. Criteria: ACMG Guidelines, 2015. Collection method: clinical testing. Allele origin: germline. Affected: yes. Observed: 1 variant allele.
Comment: The c.8754+1G>T variant is located in a canonical splice-site, and it is predicted to alter gene function due to either exon skipping or nonsense-mediate decay – NMD, and the variant is present in a relevant exon to the transcript - PVS1. The variant was observed to have arisen de novo (paternity confirmed) in a patient with the disease and no family history (PMID: 18597679) - PS2. This sequence change has been observed in affected individual(s) and ClinVar contains an entry for this variant (ClinVar ID: 267704; PMID: 28947987; PMID: 18597679) - PS4. The variant is present at low allele frequencies population databases (rs397508006 – gnomAD 0.00003986%; ABraOM no frequency) - PM2_supporting. In summary, the currently available evidence indicates that the variant is pathogenic

Quest Diagnostics Nichols Institute San Juan Capistrano
Classification: Likely pathogenic. Last evaluated: 2018-03-14. Review status: criteria provided, single submitter. Criteria: Quest Diagnostics criteria. Collection method: clinical testing. Allele origin: germline.

Consortium of Investigators of Modifiers of BRCA1/2 (CIMBA), c/o University of Cambridge
Classification: Pathogenic for Breast-ovarian cancer, familial, susceptibility to, 2. Last evaluated: 2015-10-02. Review status: criteria provided, single submitter. Criteria: CIMBA Mutation Classification guidelines May 2016. Collection method: clinical testing. Allele origin: germline.

Clinical Genetics DNA and cytogenetics Diagnostics Lab, Erasmus MC, Erasmus Medical Center
Classification: Pathogenic for Breast-ovarian cancer, familial, susceptibility to, 2. Last evaluated: 2015-09-21. Review status: criteria provided, single submitter. Criteria: ACGS Guidelines, 2013. Collection method: clinical testing. Allele origin: germline. Affected: yes. Study: VKGL Data-share Consensus.

GeneDx
Classification: Pathogenic. Last evaluated: 2015-05-06. Review status: criteria provided, single submitter. Criteria: GeneDx Variant Classification (06012015). Collection method: clinical testing. Allele origin: germline. Affected: yes.
Comment: This pathogenic variant is denoted BRCA2 c.8754+1G>T or IVS21+1G>T and consists of a G>T nucleotide substitution at the +1 position of intron 21 of the BRCA2 gene. This variant, also known as BRCA2 c.8982+1G>T using alternate nomenclature, destroys a canonical splice donor site and is predicted to cause abnormal gene splicing, leading to either an abnormal message that is subject to nonsense-mediated mRNA decay or to an abnormal protein product. A functional analysis of this mutation observed activation of a cryptic splice site leading to aberrant splicing (Hansen 2008). BRCA2 c.8982+1G>T has been published as a de novo mutation arising from the male germ line in an individual with early onset breast cancer (Hansen 2008). we consider this variant to be pathogenic.

Genesis Genomics
Classification: Pathogenic for Breast-ovarian cancer, familial, susceptibility to, 2. Review status: criteria provided, single submitter. Criteria: ACMG Guidelines, 2015. Collection method: clinical testing. Allele origin: germline. Affected: yes. Observed: 1 variant allele.

Medical Genetics Laboratory, Umraniye Training and Research Hospital, University of Health Sciences
Classification: Pathogenic for Breast carcinoma. Last evaluated: 2021-08-19. Review status: no assertion criteria provided. Collection method: clinical testing. Allele origin: germline. Affected: yes. Observed: 1 variant allele, 1 heterozygote. Not counted in ClinVar's aggregate classification.
Comment: Invasive Ductal Carcinoma Estrogen Receptor: Positive Progesterone Receptor: Positive HER2 Receptor: Positive

Diagnostic Laboratory, Department of Genetics, University Medical Center Groningen
Classification: Pathogenic for Breast-ovarian cancer, familial, susceptibility to, 2. Review status: no assertion criteria provided. Collection method: clinical testing. Allele origin: germline. Affected: yes. Study: VKGL Data-share Consensus. Not counted in ClinVar's aggregate classification.

Literature cited by the submitters: PubMed 16199547 (cited by Labcorp Genetics (formerly Invitae), Labcorp); PubMed 20104584 (cited by Labcorp Genetics (formerly Invitae), Labcorp); PubMed 18597679 (cited by 3 submitters); PubMed 28947987 (cited by Labcorp Genetics (formerly Invitae), Labcorp and Dasa); PubMed 32658311 (cited by 3 submitters); PubMed 34637943 (cited by Labcorp Genetics (formerly Invitae), Labcorp); PubMed 29446198 (cited by Ambry Genetics).

NM_000059.4(BRCA2):c.8754+1G>T

Gene: BRCA2 (BRCA2 DNA repair associated; plus strand). Cytogenetic location: 13q13.1.
Variant type: single nucleotide variant.
Coding change: c.8754+1G>T on transcript NM_000059.4 (MANE Select); the canonical splice donor site of the intron after coding-DNA position 8754, G replaced by T.
Molecular consequence: splice donor variant.
Genome position (GRCh38, 1-based): chr13:32,376,792, G>T. VCF-style: chr13-32376792-G-T. GRCh37 (hg19) VCF-style: chr13-32950929-G-T.
Other names: c.8754+1G>T (NM_001406720.1); c.8658+1G>T (NM_001406719.1); c.3822+1G>T (NM_001406721.1); c.2337+1G>T (NM_001406722.1).
Identifiers: ClinVar variation 267704 (VCV000267704.29), dbSNP rs397508006, ClinGen allele CA10602551.
Genomic context (GRCh38, chr13:32,376,792, plus strand): 5'-CAAGATGGTGCAGAGCTTTATGAAGCAGTGAAGAATGCAGCAGACCCAGCTTACCTTGAG[G>T]TGAGAGAGTAAGAGGACATATAATGAGGCTTGATGATTATTCAAGGTGAGAAGCTGTTTT-3'